The following is an entry in ClinVar:

ClinVar aggregate classification (germline): Conflicting classifications of pathogenicity. Review status: criteria provided, conflicting classifications (1 of 4 stars). 3 submissions from 3 submitters: Pathogenic (1); Likely pathogenic (1); Uncertain significance (1). Last evaluated 2025-11-24.

Conditions:
Osteogenesis imperfecta type I (OI1). Also called: OI, TYPE I; OSTEOGENESIS IMPERFECTA TARDA; OSTEOGENESIS IMPERFECTA WITH BLUE SCLERAE; Osteogenesis imperfecta type 1; Lobstein's Disease; Lobstein disease. Identifiers: Orphanet 216796, Orphanet 666, MedGen C0023931, MONDO:0008146, OMIM 166200. Disease mechanism: loss of function.
COL1A1-related disorder. Also called: COL1A1-related condition; COL1A1- related disease.
Autosomal dominant COL1A1-related disorders.

Submissions (3):

PreventionGenetics, part of Exact Sciences
Classification: Uncertain significance for COL1A1-related condition. Last evaluated: 2025-11-24. Review status: criteria provided, single submitter. Criteria: ACMG Guidelines, 2015. Collection method: clinical testing. Allele origin: germline.
Comment: The COL1A1 c.2397+4A>C variant is predicted to interfere with splicing. Based on available splicing prediction programs, this variant is predicted to have a mild impact on splicing (Alamut Visual Plus version v1.6.1). However, prediction programs are imperfect and are not considered functional evidence. To our knowledge, this variant has not been reported in the literature or in a large population database (gnomAD), indicating it is rare. Other intronic variants near the c.2397+4A>C variant have been reported to have occurred de novo in individuals with osteogenesis imperfecta (c.2397+7A>C in Tüysüz et al. 2022. PubMed ID: 34902613; c.2397+2T>C in Mone et al. 2022. PubMed ID: 34940998). Although we suspect that the c.2397+4A>C variant may be pathogenic, at this time, the clinical significance of this variant is uncertain due to the absence of conclusive functional and genetic evidence.

Labcorp Genetics (formerly Invitae), Labcorp
Classification: Pathogenic for Osteogenesis imperfecta type I. Last evaluated: 2025-10-29. Review status: criteria provided, single submitter. Criteria: Invitae Variant Classification Sherloc (09022015). Collection method: clinical testing. Allele origin: germline.
Comment: This sequence change falls in intron 34 of the COL1A1 gene. It does not directly change the encoded amino acid sequence of the COL1A1 protein. It affects a nucleotide within the consensus splice site. This variant is not present in population databases (gnomAD no frequency). This variant has been observed in individual(s) with clinical features of osteogenesis imperfecta (external communication). In at least one individual the variant was observed to be de novo. Variants that disrupt the consensus splice site are a relatively common cause of aberrant splicing (PMID: 17576681, 9536098). Algorithms developed to predict the effect of sequence changes on RNA splicing suggest that this variant is not likely to affect RNA splicing. For these reasons, this variant has been classified as Pathogenic.

Variantyx, Inc.
Classification: Likely pathogenic for Autosomal dominant COL1A1-related disorders. Last evaluated: 2025-08-11. Review status: criteria provided, single submitter. Criteria: Variantyx Assertion Criteria 2022. Collection method: clinical testing. Allele origin: de novo. Inheritance: Autosomal dominant inheritance. Affected: yes.
Comment: This is an intronic variant in the COL1A1 gene (OMIM: 120150). Pathogenic variants in this gene have been associated with autosomal dominant COL1A1-related disorders. The clinical symptoms reported for this individual are highly specific for autosomal dominant COL1A1-related disorders, which has a limited genetic etiology (PMID: 20301472) (PP4). Algorithms that predict the potential impact of sequence variants on RNA splicing suggest that this variant may not disrupt normal splicing (BP4), amnd the variant is absent from control populations (PM2). Based on the current evidence, this variant is classified as likely pathogenic for autosomal dominant COL1A1-related disorders.

Literature cited by the submitters: PubMed 17576681 (cited by Labcorp Genetics (formerly Invitae), Labcorp); PubMed 9536098 (cited by Labcorp Genetics (formerly Invitae), Labcorp); PubMed 20301472 (cited by Variantyx, Inc.).

NM_000088.4(COL1A1):c.2397+4A>C

Gene: COL1A1 (collagen type I alpha 1 chain; minus strand). Cytogenetic location: 17q21.33.
Variant type: single nucleotide variant.
Coding change: c.2397+4A>C on transcript NM_000088.4 (MANE Select); 4 bases into the intron after coding-DNA position 2397, A replaced by C.
Molecular consequence: intron variant.
Genome position (GRCh38, 1-based): chr17:50,190,539, T>G on the plus strand (A>C on the coding strand, the complement: COL1A1 is on the minus strand). VCF-style: chr17-50190539-T-G. GRCh37 (hg19) VCF-style: chr17-48267900-T-G.
Other names: c.2397+4A>C (NM_000088.3).
Identifiers: ClinVar variation 4724228 (VCV004724228.3).